The following is an entry in ClinVar:

GRCh38/hg38 4p16.3-14(chr4:85149-38700366)x3

Genes: LRPAP1 (LDL receptor related protein associated protein 1; minus strand), LYAR (Ly1 antibody reactive; minus strand), MAEA (macrophage erythroblast attacher, E3 ubiquitin ligase; plus strand), MAN2B2 (mannosidase alpha class 2B member 2; plus strand), MED28 (mediator complex subunit 28; plus strand) and 1003 more. Cytogenetic location: 4p16.3-14.
Variant type: copy number gain.
Change: copy number 3 (three copies instead of two) of chr4:85,149-38,700,366 (38.62 Mb, GRCh38 coordinates, 1-based), cytogenetic band 4p16.3-14.
Identifiers: ClinVar variation 58015 (VCV000058015.3).

ClinVar aggregate classification (germline): Pathogenic (1 of 4 stars; one submission).

Submission:

ISCA Site 6
Classification: Pathogenic. Last evaluated: 2011-08-12. Review status: criteria provided, single submitter. Criteria: Kaminsky et al. (Genet Med. 2011). Collection method: clinical testing. Allele origin: unknown. Affected: yes. Observed: 1 variant allele.
Comment: Copy number variation identified through the course of routine clinical cytogenomic testing in postnatal populations. Clinical assertions have been curated as described in Kaminsky et al. 2011.